The following is an entry in ClinVar:

ClinVar aggregate classification (germline): Uncertain significance (1 of 4 stars; one submission).

Conditions:
Developmental delay with or without dysmorphic facies and autism. Identifiers: MedGen C5193106, MONDO:0032760, OMIM 618454.

Submission:

3billion
Classification: Uncertain significance for Developmental delay with or without dysmorphic facies and autism. Last evaluated: 2022-09-01. Review status: criteria provided, single submitter. Criteria: ACMG Guidelines, 2015. Collection method: clinical testing. Allele origin: germline. Affected: yes. Observed: 1 heterozygote.
Comment: The variant is not observed in the gnomAD v2.1.1 dataset. Missense changes are a common disease-causing mechanism. Therefore, this variant is classified as uncertain significance according to the recommendation of ACMG/AMP guideline.

NM_001375524.1(TRRAP):c.2807A>G (p.Gln936Arg)

Gene: TRRAP (transformation/transcription domain associated protein; plus strand). Cytogenetic location: 7q22.1.
Variant type: single nucleotide variant.
Coding change: c.2807A>G on transcript NM_001375524.1 (MANE Select); coding-DNA position 2807, A replaced by G.
Protein change: p.Gln936Arg; replaces glutamine 936 with arginine.
Molecular consequence: missense variant.
Genome position (GRCh38, 1-based): chr7:98,921,937, A>G. VCF-style: chr7-98921937-A-G. GRCh37 (hg19) VCF-style: chr7-98519560-A-G.
Other names: c.2807A>G, p.Gln936Arg (NM_001244580.2, NM_003496.4); short protein forms Q936R.
Identifiers: ClinVar variation 1705617 (VCV001705617.1), dbSNP rs2484748355, ClinGen allele CA368294663.
Genomic context (GRCh38, chr7:98,921,937, plus strand): 5'-TGACCGAGGTTCAGGGCCCCAGCATCACTGTGGAGTTTTCCGACTGCAAAGCTTCTCTCC[A>G]GCTCCCCATGGAGAAGGTAAGCTCTGTGACAATGTCGTTTCGTTTTAAGCCTTGTGAAGA-3'
Protein context (NP_001362453.1, residues 926-946): VEFSDCKASL[Gln936Arg]LPMEKAIETA